The following is an entry in ClinVar:

ClinVar aggregate classification (germline): Uncertain significance (1 of 4 stars; one submission).

Allele frequency attached by ClinVar (database versions not stated): gnomAD exomes below 0.00001.
gnomAD v4.1: 3 of 1,600,518 alleles (0.00019%); highest among the groups gnomAD compares: Non-Finnish European, 0.00026%; no homozygotes.

Submission:

Labcorp Genetics (formerly Invitae), Labcorp
Classification: Uncertain significance. Last evaluated: 2022-07-05. Review status: criteria provided, single submitter. Criteria: Invitae Variant Classification Sherloc (09022015). Collection method: clinical testing. Allele origin: germline.
Comment: Algorithms developed to predict the effect of missense changes on protein structure and function are either unavailable or do not agree on the potential impact of this missense change (SIFT: "Tolerated"; PolyPhen-2: "Possibly Damaging"; Align-GVGD: "Class C0"). In summary, the available evidence is currently insufficient to determine the role of this variant in disease. Therefore, it has been classified as a Variant of Uncertain Significance. ClinVar contains an entry for this variant (Variation ID: 1001484). This variant has not been reported in the literature in individuals affected with CWC27-related conditions. This variant is present in population databases (no rsID available, gnomAD 0.0009%). This sequence change replaces arginine, which is basic and polar, with glycine, which is neutral and non-polar, at codon 119 of the CWC27 protein (p.Arg119Gly).

NM_005869.4(CWC27):c.355C>G (p.Arg119Gly)

Gene: CWC27 (CWC27 spliceosome associated cyclophilin; plus strand). Cytogenetic location: 5q12.3.
Variant type: single nucleotide variant.
Coding change: c.355C>G on transcript NM_005869.4 (MANE Select); coding-DNA position 355, C replaced by G.
Protein change: p.Arg119Gly; replaces arginine 119 with glycine.
Molecular consequence: missense variant.
Genome position (GRCh38, 1-based): chr5:64,783,938, C>G. VCF-style: chr5-64783938-C-G. GRCh37 (hg19) VCF-style: chr5-64079765-C-G.
Other names: c.355C>G, p.Arg119Gly (NM_001297644.1, NM_001297645.2, NM_001318000.2 and 1 more transcripts); short protein forms R119G.
Identifiers: ClinVar variation 1001484 (VCV001001484.8), dbSNP rs1186944777, ClinGen allele CA359844223.